The following is an entry in ClinVar:

ClinVar aggregate classification (germline): Uncertain significance (1 of 4 stars; one submission).

Conditions:
Perlman syndrome (PRLMNS). Identifiers: Orphanet 2849, MedGen C0796113, MONDO:0009965, OMIM 267000.

Submission:

Labcorp Genetics (formerly Invitae), Labcorp
Classification: Uncertain significance for Perlman syndrome. Last evaluated: 2021-10-28. Review status: criteria provided, single submitter. Criteria: Invitae Variant Classification Sherloc (09022015). Collection method: clinical testing. Allele origin: germline.
Comment: In summary, the available evidence is currently insufficient to determine the role of this variant in disease. Therefore, it has been classified as a Variant of Uncertain Significance. Algorithms developed to predict the effect of missense changes on protein structure and function (SIFT, PolyPhen-2, Align-GVGD) all suggest that this variant is likely to be disruptive. This variant has not been reported in the literature in individuals affected with DIS3L2-related conditions. This variant is not present in population databases (gnomAD no frequency). This sequence change replaces arginine, which is basic and polar, with proline, which is neutral and non-polar, at codon 608 of the DIS3L2 protein (p.Arg608Pro).

NM_152383.5(DIS3L2):c.1823G>C (p.Arg608Pro)

Gene: DIS3L2 (DIS3 like 3'-5' exoribonuclease 2; plus strand). Cytogenetic location: 2q37.1.
Variant type: single nucleotide variant.
Coding change: c.1823G>C on transcript NM_152383.5 (MANE Select); coding-DNA position 1823, G replaced by C.
Protein change: p.Arg608Pro; replaces arginine 608 with proline.
Molecular consequence: missense variant. On other transcripts: non-coding transcript variant (2), intron variant (1).
Genome position (GRCh38, 1-based): chr2:232,329,896, G>C. VCF-style: chr2-232329896-G-C. GRCh37 (hg19) VCF-style: chr2-233194606-G-C.
Other names: c.1582-13449G>C (NM_001257281.2); short protein forms R608P.
Identifiers: ClinVar variation 1389998 (VCV001389998.6), dbSNP rs2106348026, ClinGen allele CA350976093.